The following is an entry in ClinVar:

ClinVar aggregate classification (germline): Uncertain significance. Review status: criteria provided, multiple submitters, no conflicts (2 of 4 stars). 2 submissions from 2 submitters: Uncertain significance (2). Last evaluated 2025-03-03.

Conditions:
Hereditary cancer-predisposing syndrome. Also called: Hereditary neoplastic syndrome; Tumor predisposition; Hereditary Cancer Syndrome; Neoplastic Syndromes, Hereditary. Identifiers: Orphanet 140162, MedGen C0027672, MeSH D009386, MONDO:0015356.
Bloom syndrome (BLM). Also called: Bloom-Torre-Machacek syndrome. Identifiers: Orphanet 125, MedGen C0005859, MONDO:0008876, OMIM 210900.

Submissions (2):

Labcorp Genetics (formerly Invitae), Labcorp
Classification: Uncertain significance for Bloom syndrome. Last evaluated: 2025-03-03. Review status: criteria provided, single submitter. Criteria: Invitae Variant Classification Sherloc (09022015). Collection method: clinical testing. Allele origin: germline.
Comment: This sequence change replaces lysine, which is basic and polar, with glutamine, which is neutral and polar, at codon 187 of the BLM protein (p.Lys187Gln). This variant is not present in population databases (gnomAD no frequency). This variant has not been reported in the literature in individuals affected with BLM-related conditions. ClinVar contains an entry for this variant (Variation ID: 2126946). An algorithm developed to predict the effect of missense changes on protein structure and function (PolyPhen-2) suggests that this variant is likely to be disruptive. In summary, the available evidence is currently insufficient to determine the role of this variant in disease. Therefore, it has been classified as a Variant of Uncertain Significance.

Ambry Genetics
Classification: Uncertain significance for Hereditary cancer-predisposing syndrome. Last evaluated: 2024-04-04. Review status: criteria provided, single submitter. Criteria: Ambry Variant Classification Scheme 2023. Collection method: clinical testing. Allele origin: germline.
Comment: The p.K187Q variant (also known as c.559A>C), located in coding exon 2 of the BLM gene, results from an A to C substitution at nucleotide position 559. The lysine at codon 187 is replaced by glutamine, an amino acid with similar properties. This amino acid position is conserved. In addition, this alteration is predicted to be tolerated by in silico analysis. Based on the available evidence, the clinical significance of this variant remains unclear.

NM_000057.4(BLM):c.559A>C (p.Lys187Gln)

Gene: BLM (BLM RecQ like helicase; plus strand). Cytogenetic location: 15q26.1.
Variant type: single nucleotide variant.
Coding change: c.559A>C on transcript NM_000057.4 (MANE Select); coding-DNA position 559, A replaced by C.
Protein change: p.Lys187Gln; replaces lysine 187 with glutamine.
Molecular consequence: missense variant. On other transcripts: 5 prime UTR variant (1).
Genome position (GRCh38, 1-based): chr15:90,749,827, A>C. VCF-style: chr15-90749827-A-C. GRCh37 (hg19) VCF-style: chr15-91293057-A-C.
Other names: c.559A>C, p.Lys187Gln (NM_001287246.2, NM_001287247.2); c.-733A>C (NM_001287248.2); short protein forms K187Q.
Identifiers: ClinVar variation 2126946 (VCV002126946.4), dbSNP rs1895625606, ClinGen allele CA393841048.